The following is an entry in ClinVar:

ClinVar aggregate classification (germline): Uncertain significance (1 of 4 stars; one submission).

Conditions:
Malignant hyperthermia, susceptibility to, 1 (MHS1). Also called: Anesthesia related hyperthermia; Malignant hyperpyrexia; Fulminating hyperpyrexia; Pharmacogenic myopathy; RYR1-Related Malignant Hyperthermia Susceptibility; Malignant hyperthermia suceptibility 1. Identifiers: Orphanet 423, MedGen C2930980, MONDO:0007783, OMIM 145600.

Allele frequency attached by ClinVar (database versions not stated): gnomAD exomes below 0.00001.
gnomAD v4.1: 1 of 1,614,166 alleles (0.000062%); highest among the groups gnomAD compares: South Asian, 0.0011%; no homozygotes.

Submission:

All of Us Research Program, National Institutes of Health
Classification: Uncertain significance for Malignant hyperthermia, susceptibility to, 1. Last evaluated: 2023-11-02. Review status: criteria provided, single submitter. Criteria: ACMG Guidelines, 2015. Collection method: clinical testing. Allele origin: germline. Inheritance: Autosomal dominant inheritance. Observed: 1 variant allele, 1 heterozygote.
Comment: This missense variant replaces valine with methionine at codon 1850 of the RYR1 protein. Computational prediction suggests that this variant may not impact protein structure and function (internally defined REVEL score threshold <= 0.5, PMID: 27666373). To our knowledge, functional studies have not been reported for this variant. This variant has not been reported in individuals affected with RYR1-related disorders in the literature. This variant has not been identified in the general population by the Genome Aggregation Database (gnomAD). The available evidence is insufficient to determine the role of this variant in disease conclusively. Therefore, this variant is classified as a Variant of Uncertain Significance.

This study involves interpretation of variants in research participants for the purpose of population health screening. Participant phenotype was not available at the time of variant classification. Additional details can be found in publication PMID: 35346344, PMCID: PMC8962531

NM_000540.3(RYR1):c.5548G>A (p.Val1850Met)

Gene: RYR1 (ryanodine receptor 1; plus strand). Cytogenetic location: 19q13.2.
Variant type: single nucleotide variant.
Coding change: c.5548G>A on transcript NM_000540.3 (MANE Select); coding-DNA position 5548, G replaced by A.
Protein change: p.Val1850Met; replaces valine 1850 with methionine.
Molecular consequence: missense variant.
Genome position (GRCh38, 1-based): chr19:38,489,177, G>A. VCF-style: chr19-38489177-G-A. GRCh37 (hg19) VCF-style: chr19-38979817-G-A.
Other names: c.5548G>A, p.Val1850Met (NM_001042723.2); short protein forms V1850M.
Identifiers: ClinVar variation 3074404 (VCV003074404.1), dbSNP rs2145558167, ClinGen allele CA405657291.